The following is an entry in ClinVar:

ClinVar aggregate classification (germline): Uncertain significance (1 of 4 stars; one submission).

gnomAD v4.1: 2 of 1,613,502 alleles (0.00012%); highest among the groups gnomAD compares: Non-Finnish European, 0.000085%; no homozygotes.

Submission:

Labcorp Genetics (formerly Invitae), Labcorp
Classification: Uncertain significance. Last evaluated: 2025-10-06. Review status: criteria provided, single submitter. Criteria: Invitae Variant Classification Sherloc (09022015). Collection method: clinical testing. Allele origin: germline.
Comment: This sequence change falls in intron 3 of the FLI1 gene. It does not directly change the encoded amino acid sequence of the FLI1 protein. It affects a nucleotide within the consensus splice site. This variant is not present in population databases (gnomAD no frequency). This variant has not been reported in the literature in individuals affected with FLI1-related conditions. Variants that disrupt the consensus splice site are a relatively common cause of aberrant splicing (PMID: 17576681, 9536098). Algorithms developed to predict the effect of sequence changes on RNA splicing suggest that this variant is not likely to affect RNA splicing. In summary, the available evidence is currently insufficient to determine the role of this variant in disease. Therefore, it has been classified as a Variant of Uncertain Significance.

Literature cited by the submitters: PubMed 17576681; PubMed 9536098.

NM_002017.5(FLI1):c.385+3A>G

Gene: FLI1 (Fli-1 proto-oncogene, ETS transcription factor; plus strand). Cytogenetic location: 11q24.3.
Variant type: single nucleotide variant.
Coding change: c.385+3A>G on transcript NM_002017.5 (MANE Select); 3 bases into the intron after coding-DNA position 385, A replaced by G.
Molecular consequence: intron variant.
Genome position (GRCh38, 1-based): chr11:128,768,275, A>G. VCF-style: chr11-128768275-A-G. GRCh37 (hg19) VCF-style: chr11-128638170-A-G.
Other names: c.286+3A>G (NM_001440370.1, NM_001440371.1, NM_001440369.1 and 1 more transcripts); c.10+9949A>G (NM_001271012.2); c.187+3A>G (NM_001271010.2); c.385+3A>G (NM_001440372.1).
Identifiers: ClinVar variation 4770278 (VCV004770278.1).
Genomic context (GRCh38, chr11:128,768,275, plus strand): 5'-AATGGCCCCCCTCCTCCCAACATGACCACCAACGAGAGGAGAGTCATCGTCCCCGCAGGT[A>G]ATTCGAGAACCAGGCTGCCTGGGCGCCATTCACTTCCCCACTCTCTGGGGGGGCAGGGAG-3'